The following is an entry in ClinVar:

ClinVar aggregate classification (germline): Uncertain significance. Review status: criteria provided, multiple submitters, no conflicts (2 of 4 stars). 2 submissions from 2 submitters: Uncertain significance (2). Last evaluated 2024-01-18.

gnomAD v4.1: 16 of 1,596,724 alleles (0.001%); highest among the groups gnomAD compares: Middle Eastern, 0.018%; no homozygotes.

Submissions (2):

Labcorp Genetics (formerly Invitae), Labcorp
Classification: Uncertain significance. Last evaluated: 2024-01-18. Review status: criteria provided, single submitter. Criteria: Invitae Variant Classification Sherloc (09022015). Collection method: clinical testing. Allele origin: germline.
Comment: This sequence change replaces valine, which is neutral and non-polar, with isoleucine, which is neutral and non-polar, at codon 903 of the A2ML1 protein (p.Val903Ile). The frequency data for this variant in the population databases is considered unreliable, as metrics indicate poor data quality at this position in the gnomAD database. This variant has not been reported in the literature in individuals affected with A2ML1-related conditions. ClinVar contains an entry for this variant (Variation ID: 963794). An algorithm developed to predict the effect of missense changes on protein structure and function (PolyPhen-2) suggests that this variant is likely to be disruptive. In summary, the available evidence is currently insufficient to determine the role of this variant in disease. Therefore, it has been classified as a Variant of Uncertain Significance.

Women's Health and Genetics/Laboratory Corporation of America, LabCorp
Classification: Uncertain significance. Last evaluated: 2021-02-08. Review status: criteria provided, single submitter. Criteria: LabCorp Variant Classification Summary - May 2015. Collection method: clinical testing. Allele origin: germline.
Comment: Variant summary: A2ML1 c.2707G>A (p.Val903Ile) results in a conservative amino acid change in the encoded protein sequence. Two of four in-silico tools predict a benign effect of the variant on protein function. The variant allele was found at a frequency of 4.2e-06 in 237094 control chromosomes. The available data on variant occurrences in the general population are insufficient to allow any conclusion about variant significance. To our knowledge, no occurrence of c.2707G>A in individuals affected with Noonan Syndrome and no experimental evidence demonstrating its impact on protein function have been reported. One clinical diagnostic laboratory has submitted clinical-significance assessments for this variant to ClinVar after 2014 without evidence for independent evaluation and cited the variant as uncertain significance. Based on the evidence outlined above, the variant was classified as uncertain significance.

NM_144670.6(A2ML1):c.2707G>A (p.Val903Ile)

Gene: A2ML1 (alpha-2-macroglobulin like 1; plus strand). Cytogenetic location: 12p13.31.
Variant type: single nucleotide variant.
Coding change: c.2707G>A on transcript NM_144670.6 (MANE Select); coding-DNA position 2707, G replaced by A.
Protein change: p.Val903Ile; replaces valine 903 with isoleucine.
Molecular consequence: missense variant.
Genome position (GRCh38, 1-based): chr12:8,854,244, G>A. VCF-style: chr12-8854244-G-A. GRCh37 (hg19) VCF-style: chr12-9006840-G-A.
Other names: c.1234G>A, p.Val412Ile (NM_001282424.3); short protein forms V412I, V903I.
Identifiers: ClinVar variation 963794 (VCV000963794.9), dbSNP rs1416944345, ClinGen allele CA383834904.